The following is an entry in ClinVar:

ClinVar aggregate classification (germline): Uncertain significance (1 of 4 stars; one submission).

Conditions:
Hereditary pancreatitis (PCTT). Also called: Hereditary chronic pancreatitis; PRSS1-Related Hereditary Pancreatitis. Identifiers: Orphanet 676, MedGen C0238339, MONDO:0008185, OMIM 167800.

gnomAD v4.1: 1 of 1,614,208 alleles (0.000062%); highest among the groups gnomAD compares: Non-Finnish European, 0.000085%; no homozygotes.

Submission:

Ambry Genetics
Classification: Uncertain significance for Hereditary pancreatitis. Last evaluated: 2025-07-18. Review status: criteria provided, single submitter. Criteria: Ambry Variant Classification Scheme 2023. Collection method: clinical testing. Allele origin: germline.
Comment: The p.K178M variant (also known as c.533A>T), located in coding exon 4 of the PRSS1 gene, results from an A to T substitution at nucleotide position 533. The lysine at codon 178 is replaced by methionine, an amino acid with similar properties. This amino acid position is conserved. In addition, this alteration is predicted to be tolerated by in silico analysis. Based on the available evidence, the clinical significance of this variant remains unclear.

NM_002769.5(PRSS1):c.533A>T (p.Lys178Met)

Genes: PRSS1 (serine protease 1; plus strand), TRB (T cell receptor beta locus; plus strand). Cytogenetic location: 7q34.
Variant type: single nucleotide variant.
Coding change: c.533A>T on transcript NM_002769.5 (MANE Select); coding-DNA position 533, A replaced by T.
Protein change: p.Lys178Met; replaces lysine 178 with methionine.
Molecular consequence: missense variant. On other transcripts: non-coding transcript variant (5).
Genome position (GRCh38, 1-based): chr7:142,752,509, A>T. VCF-style: chr7-142752509-A-T. GRCh37 (hg19) VCF-style: chr7-142460360-A-T.
Other names: short protein forms K178M.
Identifiers: ClinVar variation 4145699 (VCV004145699.1).